The following is an entry in ClinVar:

NM_006379.5(SEMA3C):c.945C>A (p.Asn315Lys)

Gene: SEMA3C (semaphorin 3C; minus strand). Cytogenetic location: 7q21.11.
Variant type: single nucleotide variant.
Coding change: c.945C>A on transcript NM_006379.5 (MANE Select); coding-DNA position 945, C replaced by A.
Protein change: p.Asn315Lys; replaces asparagine 315 with lysine.
Molecular consequence: missense variant.
Genome position (GRCh38, 1-based): chr7:80,800,798, G>T on the plus strand (C>A on the coding strand, the complement: SEMA3C is on the minus strand). VCF-style: chr7-80800798-G-T. GRCh37 (hg19) VCF-style: chr7-80430114-G-T.
Other names: c.999C>A, p.Asn333Lys (NM_001350120.2); c.771C>A, p.Asn257Lys (NM_001350121.2); short protein forms N257K, N315K, N333K.
Identifiers: ClinVar variation 3356923 (VCV003356923.2).

ClinVar aggregate classification (germline): Uncertain significance (1 of 4 stars; one submission).

Conditions:
SEMA3C-related disorder. Also called: SEMA3C-related condition.

gnomAD v4.1: 5 of 1,516,152 alleles (0.00033%); highest among the groups gnomAD compares: Admixed American, 0.012%; no homozygotes.

Submission:

PreventionGenetics, part of Exact Sciences
Classification: Uncertain significance for SEMA3C-related condition. Last evaluated: 2026-03-25. Review status: criteria provided, single submitter. Criteria: ACMG Guidelines, 2015. Collection method: clinical testing. Allele origin: germline.
Comment: The SEMA3C c.999C>A variant is predicted to result in the amino acid substitution p.Asn333Lys. This variant is also referred to as NM_006379.3:c.945C>A (p.Asn315Lys). To our knowledge, this variant has not been reported in the literature. This variant is reported in 0.025% of alleles in individuals of Latino descent in gnomAD. At this time, the clinical significance of this variant is uncertain due to the absence of conclusive functional and genetic evidence.